The following is an entry in ClinVar:

NM_005263.5(GFI1):c.273G>T (p.Arg91Ser)

Gene: GFI1 (growth factor independent 1 transcriptional repressor; minus strand). Cytogenetic location: 1p22.1.
Variant type: single nucleotide variant.
Coding change: c.273G>T on transcript NM_005263.5 (MANE Select); coding-DNA position 273, G replaced by T.
Protein change: p.Arg91Ser; replaces arginine 91 with serine.
Molecular consequence: missense variant.
Genome position (GRCh38, 1-based): chr1:92,482,889, C>A on the plus strand (G>T on the coding strand, the complement: GFI1 is on the minus strand). VCF-style: chr1-92482889-C-A. GRCh37 (hg19) VCF-style: chr1-92948446-C-A.
Other names: c.273G>T, p.Arg91Ser (NM_001127215.3, NM_001127216.3); short protein forms R91S.
Identifiers: ClinVar variation 3853657 (VCV003853657.1).

ClinVar aggregate classification (germline): Uncertain significance (1 of 4 stars; one submission).

gnomAD v4.1: 1 of 1,614,060 alleles (0.000062%); highest among the groups gnomAD compares: Non-Finnish European, 0.000085%; no homozygotes.

Submission:

Ambry Genetics
Classification: Uncertain significance. Last evaluated: 2024-12-16. Review status: criteria provided, single submitter. Criteria: Ambry Variant Classification Scheme 2023. Collection method: clinical testing. Allele origin: germline.
Comment: The p.R91S variant (also known as c.273G>T), located in coding exon 2 of the GFI1 gene, results from a G to T substitution at nucleotide position 273. The arginine at codon 91 is replaced by serine, an amino acid with dissimilar properties. This amino acid position is conserved. In addition, this alteration is predicted to be tolerated by in silico analysis. Based on the available evidence, the clinical significance of this variant remains unclear.